The following is an entry in ClinVar:

ClinVar aggregate classification (germline): Uncertain significance. Review status: criteria provided, multiple submitters, no conflicts (2 of 4 stars). 2 submissions from 2 submitters: Uncertain significance (2). Last evaluated 2026-08-31.

Conditions:
Cardiovascular phenotype. Identifiers: MedGen CN230736.

gnomAD v4.1: 9 of 1,550,220 alleles (0.00058%); highest among the groups gnomAD compares: Admixed American, 0.002%; no homozygotes.

Submissions (2):

Ambry Genetics
Classification: Uncertain significance for Cardiovascular phenotype. Last evaluated: 2026-08-31. Review status: criteria provided, single submitter. Criteria: Ambry Variant Classification Scheme 2023. Collection method: clinical testing. Allele origin: germline.
Comment: The p.P2560L variant (also known as c.7679C>T), located in coding exon 2 of the ZNF469 gene, results from a C to T substitution at nucleotide position 7679. The proline at codon 2560 is replaced by leucine, an amino acid with similar properties. This amino acid position is conserved. In addition, this alteration is predicted to be tolerated by in silico analysis. Based on the available evidence, the clinical significance of this variant remains unclear.

Women's Health and Genetics/Laboratory Corporation of America, LabCorp
Classification: Uncertain significance. Last evaluated: 2026-06-10. Review status: criteria provided, single submitter. Criteria: LabCorp Variant Classification Summary - May 2015. Collection method: clinical testing. Allele origin: germline.
Comment: Variant summary: ZNF469 c.7763C>T (p.Pro2588Leu) results in a non-conservative amino acid change in the encoded protein sequence. Algorithms developed to predict the effect of missense changes on protein structure and function are either unavailable or do not agree on the potential impact of this missense change. The variant allele was found at a frequency of 6.5e-06 in 153092 control chromosomes. The available data on variant occurrences in the general population are insufficient to allow any conclusion about variant significance. To our knowledge, no occurrence of c.7763C>T in individuals affected with ZNF469-related conditions and no experimental evidence demonstrating its impact on protein function have been reported. No submitters have cited clinical-significance assessments for this variant to ClinVar. Based on the evidence outlined above, the variant was classified as uncertain significance.

NM_001367624.2(ZNF469):c.7763C>T (p.Pro2588Leu)

Gene: ZNF469 (zinc finger protein 469; plus strand). Cytogenetic location: 16q24.2.
Variant type: single nucleotide variant.
Coding change: c.7763C>T on transcript NM_001367624.2 (MANE Select); coding-DNA position 7763, C replaced by T.
Protein change: p.Pro2588Leu; replaces proline 2588 with leucine.
Molecular consequence: missense variant.
Genome position (GRCh38, 1-based): chr16:88,435,233, C>T. VCF-style: chr16-88435233-C-T. GRCh37 (hg19) VCF-style: chr16-88501641-C-T.
Other names: NM_001127464.1:c.7679C>T; short protein forms P2588L.
Identifiers: ClinVar variation 4887389 (VCV004887389.2).
Genomic context (GRCh38, chr16:88,435,233, plus strand): 5'-CACACAGCCAGCAGCTGCACCCTCCAAGCCCTACTGAGCATGAGGTAGATGTGAAGACTC[C>T]GGCCTCCAAGCCCAGACCAGACCAGGCCAGGGAAGATGAGCTGCATCCCAAACAGGCAGA-3'
Protein context (NP_001354553.1, residues 2578-2598): PTEHEVDVKT[Pro2588Leu]ASKPRPDQAR